The following is an entry in ClinVar:

NM_000038.6(APC):c.5645G>T (p.Arg1882Ile)

Gene: APC (APC regulator of Wnt signaling pathway; plus strand). Cytogenetic location: 5q22.2.
Variant type: single nucleotide variant.
Coding change: c.5645G>T on transcript NM_000038.6 (MANE Select); coding-DNA position 5645, G replaced by T.
Protein change: p.Arg1882Ile; replaces arginine 1882 with isoleucine.
Molecular consequence: missense variant.
Genome position (GRCh38, 1-based): chr5:112,841,239, G>T. VCF-style: chr5-112841239-G-T. GRCh37 (hg19) VCF-style: chr5-112176936-G-T.
Other names: c.5645G>T, p.Arg1882Ile (NM_001127510.3, NM_001354895.2); c.5591G>T, p.Arg1864Ile (NM_001127511.3); c.5699G>T, p.Arg1900Ile (NM_001354896.2); c.5675G>T, p.Arg1892Ile (NM_001354897.2); c.5570G>T, p.Arg1857Ile (NM_001354898.2); c.5561G>T, p.Arg1854Ile (NM_001354899.2); c.5522G>T, p.Arg1841Ile (NM_001354900.2); c.5468G>T, p.Arg1823Ile (NM_001354901.2); and 5 more; short protein forms R1599I, R1722I, R1756I, R1781I, R1823I, R1892I, R1791I, R1857I.
Identifiers: ClinVar variation 825871 (VCV000825871.4), dbSNP rs34157245, ClinGen allele CA16033688.

ClinVar aggregate classification (germline): Uncertain significance (1 of 4 stars; one submission).

Conditions:
Hereditary cancer-predisposing syndrome. Also called: Neoplastic Syndromes, Hereditary; Tumor predisposition; Hereditary neoplastic syndrome; Hereditary Cancer Syndrome. Identifiers: Orphanet 140162, MedGen C0027672, MeSH D009386, MONDO:0015356.

Submission:

Ambry Genetics
Classification: Uncertain significance for Hereditary cancer-predisposing syndrome. Last evaluated: 2019-06-05. Review status: criteria provided, single submitter. Criteria: Ambry Variant Classification Scheme 2023. Collection method: clinical testing. Allele origin: germline.
Comment: The p.R1882I variant (also known as c.5645G>T), located in coding exon 15 of the APC gene, results from a G to T substitution at nucleotide position 5645. The arginine at codon 1882 is replaced by isoleucine, an amino acid with similar properties. This amino acid position is well conserved in available vertebrate species. In addition, in silico predictors for this gene do not accurately predict pathogenicity. Since supporting evidence is limited at this time, the clinical significance of this alteration remains unclear.